The following is an entry in ClinVar:

NM_000548.5(TSC2):c.3870C>T (p.Ser1290=)

Gene: TSC2 (TSC complex subunit 2; plus strand). Cytogenetic location: 16p13.3.
Variant type: single nucleotide variant.
Coding change: c.3870C>T on transcript NM_000548.5 (MANE Select); coding-DNA position 3870, C replaced by T.
Protein change: p.Ser1290=; no amino-acid change (serine 1290 retained).
Molecular consequence: synonymous variant. On other transcripts: intron variant (6).
Genome position (GRCh38, 1-based): chr16:2,082,491, C>T. VCF-style: chr16-2082491-C-T. GRCh37 (hg19) VCF-style: chr16-2132492-C-T.
Other names: c.3138C>T, p.Ser1046= (NM_001318831.2); c.3738C>T, p.Ser1246= (NM_001370404.1); c.3741C>T, p.Ser1247= (NM_001370405.1, NM_021055.3); c.3814+693C>T (NM_001114382.3); c.3685+693C>T (NM_001363528.2); c.3682+693C>T (NM_001077183.3); c.3574+693C>T (NM_001318827.2); c.3538+693C>T (NM_001318829.2); and 2 more.
Identifiers: ClinVar variation 468043 (VCV000468043.19), dbSNP rs754466663, ClinGen allele CA048927.

ClinVar aggregate classification (germline): Benign/Likely benign. Review status: criteria provided, multiple submitters, no conflicts (2 of 4 stars). 6 submissions from 6 submitters: Benign (2); Likely benign (3). 1 of the submissions does not count toward it. Last evaluated 2026-01-11.

Conditions:
TSC2-related disorder. Also called: TSC2-related condition; TSC2-Related Disorders.
Hereditary cancer-predisposing syndrome. Also called: Hereditary neoplastic syndrome; Neoplastic Syndromes, Hereditary; Tumor predisposition; Hereditary Cancer Syndrome. Identifiers: Orphanet 140162, MedGen C0027672, MeSH D009386, MONDO:0015356.
Tuberous sclerosis syndrome (TSC). Also called: Tuberous Sclerosis Complex; Tuberous sclerosis. Identifiers: Orphanet 805, MedGen C0041341, MONDO:0001734.
Tuberous sclerosis 2 (TSC2). Identifiers: Orphanet 805, MedGen C1860707, MONDO:0013199, OMIM 613254.

Allele frequency attached by ClinVar (database versions not stated): gnomAD exomes 0.00001; ExAC 0.00003; gnomAD 0.00004; TOPMed 0.00004.
gnomAD v4.1: 20 of 1,611,870 alleles (0.0012%); highest among the groups gnomAD compares: African/African-American, 0.011%; no homozygotes.

Submissions (6):

Labcorp Genetics (formerly Invitae), Labcorp
Classification: Benign for Tuberous sclerosis 2. Last evaluated: 2026-01-11. Review status: criteria provided, single submitter. Criteria: Invitae Variant Classification Sherloc (09022015). Collection method: clinical testing. Allele origin: germline.

Myriad Genetics, Inc.
Classification: Benign for Tuberous sclerosis 2. Last evaluated: 2025-05-30. Review status: criteria provided, single submitter. Criteria: Myriad Autosomal Dominant, Autosomal Recessive and X-Linked Classification Criteria (2023). Collection method: clinical testing. Allele origin: unknown.
Comment: This variant is considered benign. This variant is a silent/synonymous amino acid change and it is not expected to impact splicing.

All of Us Research Program, National Institutes of Health
Classification: Likely benign for Tuberous sclerosis syndrome. Last evaluated: 2024-01-11. Review status: criteria provided, single submitter. Criteria: ACMG Guidelines, 2015. Collection method: clinical testing. Allele origin: germline. Inheritance: Autosomal dominant inheritance. Observed: 5 variant alleles, 5 heterozygotes.
Comment: This study involves interpretation of variants in research participants for the purpose of population health screening. Participant phenotype was not available at the time of variant classification. Additional details can be found in publication PMID: 35346344, PMCID: PMC8962531

Color Diagnostics, LLC DBA Color Health
Classification: Likely benign for Tuberous sclerosis syndrome. Last evaluated: 2022-10-04. Review status: criteria provided, single submitter. Criteria: ACMG Guidelines, 2015. Collection method: clinical testing. Allele origin: germline.

Ambry Genetics
Classification: Likely benign for Hereditary cancer-predisposing syndrome. Last evaluated: 2015-08-03. Review status: criteria provided, single submitter. Criteria: Ambry Variant Classification Scheme 2023. Collection method: clinical testing. Allele origin: germline.

PreventionGenetics, part of Exact Sciences
Classification: Likely benign for TSC2-related condition. Last evaluated: 2023-04-27. Review status: no assertion criteria provided. Collection method: clinical testing. Allele origin: germline. Not counted in ClinVar's aggregate classification.
Comment: This variant is classified as likely benign based on ACMG/AMP sequence variant interpretation guidelines (Richards et al. 2015 PMID: 25741868, with internal and published modifications).